The following is an entry in ClinVar:

ClinVar aggregate classification (germline): Uncertain significance (1 of 4 stars; one submission).

Conditions:
Hereditary nonpolyposis colorectal neoplasms. Identifiers: MedGen C0009405, MeSH D003123.

Allele frequency attached by ClinVar (database versions not stated): gnomAD exomes below 0.00001.
gnomAD v4.1: 2 of 1,614,112 alleles (0.00012%); highest among the groups gnomAD compares: Non-Finnish European, 0.00017%; no homozygotes.

Submission:

Labcorp Genetics (formerly Invitae), Labcorp
Classification: Uncertain significance for Hereditary nonpolyposis colorectal neoplasms. Last evaluated: 2024-04-10. Review status: criteria provided, single submitter. Criteria: Invitae Variant Classification Sherloc (09022015). Collection method: clinical testing. Allele origin: germline.
Comment: This sequence change replaces valine, which is neutral and non-polar, with alanine, which is neutral and non-polar, at codon 808 of the MSH6 protein (p.Val808Ala). This variant is not present in population databases (gnomAD no frequency). This variant has not been reported in the literature in individuals affected with MSH6-related conditions. ClinVar contains an entry for this variant (Variation ID: 2134360). Advanced modeling of protein sequence and biophysical properties (such as structural, functional, and spatial information, amino acid conservation, physicochemical variation, residue mobility, and thermodynamic stability) performed at Invitae indicates that this missense variant is not expected to disrupt MSH6 protein function with a negative predictive value of 95%. In summary, the available evidence is currently insufficient to determine the role of this variant in disease. Therefore, it has been classified as a Variant of Uncertain Significance.

NM_000179.3(MSH6):c.2423T>C (p.Val808Ala)

Gene: MSH6 (mutS homolog 6; plus strand). Cytogenetic location: 2p16.3.
Variant type: single nucleotide variant.
Coding change: c.2423T>C on transcript NM_000179.3 (MANE Select); coding-DNA position 2423, T replaced by C.
Protein change: p.Val808Ala; replaces valine 808 with alanine.
Molecular consequence: missense variant.
Genome position (GRCh38, 1-based): chr2:47,800,406, T>C. VCF-style: chr2-47800406-T-C. GRCh37 (hg19) VCF-style: chr2-48027545-T-C.
Other names: c.2423T>C, p.Val808Ala (NM_001406800.1, NM_001406808.1, NM_001406809.1 and 2 more transcripts); c.2126T>C, p.Val709Ala (NM_001406801.1, NM_001406805.1, NM_001406797.1 and 10 more transcripts); c.2519T>C, p.Val840Ala (NM_001406802.1, NM_001406795.1); c.2345T>C, p.Val782Ala (NM_001406804.1); c.1898T>C, p.Val633Ala (NM_001406806.1, NM_001406807.1, NM_001406799.1); c.1517T>C, p.Val506Ala (NM_001406811.1, NM_001281493.2, NM_001281494.2 and 6 more transcripts); c.2033T>C, p.Val678Ala (NM_001281492.2); c.2429T>C, p.Val810Ala (NM_001406813.1); and 1 more; short protein forms V678A, V782A, V752A, V808A, V633A, V709A, V840A, V506A.
Identifiers: ClinVar variation 2134360 (VCV002134360.4), dbSNP rs2530671467, ClinGen allele CA346754017.